The following is an entry in ClinVar:

ClinVar aggregate classification (germline): Conflicting classifications of pathogenicity. Review status: criteria provided, conflicting classifications (1 of 4 stars). 3 submissions from 3 submitters: Uncertain significance (2); Likely benign (1). Last evaluated 2024-06-12.

Conditions:
Cardiovascular phenotype. Identifiers: MedGen CN230736.

Allele frequency attached by ClinVar (database versions not stated): gnomAD exomes 0.00001 and 0.00002; TOPMed 0.00003; gnomAD 0.00005 and 0.00006.
gnomAD v4.1: 41 of 1,549,570 alleles (0.0026%); highest among the groups gnomAD compares: Non-Finnish European, 0.0031%; no homozygotes.

Submissions (3):

Ambry Genetics
Classification: Likely benign for Cardiovascular phenotype. Last evaluated: 2024-06-12. Review status: criteria provided, single submitter. Criteria: Ambry Variant Classification Scheme 2023. Collection method: clinical testing. Allele origin: germline.

GeneDx
Classification: Uncertain significance. Last evaluated: 2024-06-11. Review status: criteria provided, single submitter. Criteria: GeneDx Variant Classification Process June 2021. Collection method: clinical testing. Allele origin: germline. Affected: yes.
Comment: Not observed at significant frequency in large population cohorts (gnomAD); In silico analysis indicates that this missense variant does not alter protein structure/function; Has not been previously published as pathogenic or benign to our knowledge

Labcorp Genetics (formerly Invitae), Labcorp
Classification: Uncertain significance. Last evaluated: 2022-07-23. Review status: criteria provided, single submitter. Criteria: Invitae Variant Classification Sherloc (09022015). Collection method: clinical testing. Allele origin: germline.
Comment: This sequence change replaces alanine, which is neutral and non-polar, with threonine, which is neutral and polar, at codon 2086 of the ZNF469 protein (p.Ala2086Thr). This variant is present in population databases (no rsID available, gnomAD 0.007%). This variant has not been reported in the literature in individuals affected with ZNF469-related conditions. ClinVar contains an entry for this variant (Variation ID: 1212274). Algorithms developed to predict the effect of missense changes on protein structure and function output the following: SIFT: "Tolerated"; PolyPhen-2: "Benign"; Align-GVGD: "Class C0". The threonine amino acid residue is found in multiple mammalian species, which suggests that this missense change does not adversely affect protein function. In summary, the available evidence is currently insufficient to determine the role of this variant in disease. Therefore, it has been classified as a Variant of Uncertain Significance.

NM_001367624.2(ZNF469):c.6340G>A (p.Ala2114Thr)

Gene: ZNF469 (zinc finger protein 469; plus strand). Cytogenetic location: 16q24.2.
Variant type: single nucleotide variant.
Coding change: c.6340G>A on transcript NM_001367624.2 (MANE Select); coding-DNA position 6340, G replaced by A.
Protein change: p.Ala2114Thr; replaces alanine 2114 with threonine.
Molecular consequence: missense variant.
Genome position (GRCh38, 1-based): chr16:88,433,810, G>A. VCF-style: chr16-88433810-G-A. GRCh37 (hg19) VCF-style: chr16-88500218-G-A.
Other names: NM_001127464.1:c.6256G>A; short protein forms A2114T.
Identifiers: ClinVar variation 1212274 (VCV001212274.9), dbSNP rs1243898549, ClinGen allele CA397105453.